The following is an entry in ClinVar:

ClinVar aggregate classification (germline): Pathogenic (1 of 4 stars; one submission).

Submission:

Labcorp Genetics (formerly Invitae), Labcorp
Classification: Pathogenic. Last evaluated: 2024-08-24. Review status: criteria provided, single submitter. Criteria: Invitae Variant Classification Sherloc (09022015). Collection method: clinical testing. Allele origin: germline.
Comment: This sequence change creates a premature translational stop signal (p.Glu357*) in the PCARE gene. It is expected to result in an absent or disrupted protein product. Loss-of-function variants in PCARE are known to be pathogenic (PMID: 20398886, 24339724, 26496393). This variant is not present in population databases (gnomAD no frequency). This variant has not been reported in the literature in individuals affected with PCARE-related conditions. For these reasons, this variant has been classified as Pathogenic.

Literature cited by the submitters: PubMed 20398886; PubMed 24339724; PubMed 26496393.

NM_001029883.3(PCARE):c.1069G>T (p.Glu357Ter)

Gene: PCARE (photoreceptor cilium actin regulator; minus strand). Cytogenetic location: 2p23.2.
Variant type: single nucleotide variant.
Coding change: c.1069G>T on transcript NM_001029883.3 (MANE Select); coding-DNA position 1069, G replaced by T.
Protein change: p.Glu357Ter; replaces glutamic acid 357 with a stop codon.
Molecular consequence: nonsense.
Genome position (GRCh38, 1-based): chr2:29,073,193, C>A on the plus strand (G>T on the coding strand, the complement: PCARE is on the minus strand). VCF-style: chr2-29073193-C-A. GRCh37 (hg19) VCF-style: chr2-29296059-C-A.
Other names: short protein forms E357*.
Identifiers: ClinVar variation 3663388 (VCV003663388.2).